The following is an entry in ClinVar:

ClinVar aggregate classification (germline): Uncertain significance (1 of 4 stars; one submission).

Conditions:
Cardiovascular phenotype. Identifiers: MedGen CN230736.

Submission:

Ambry Genetics
Classification: Uncertain significance for Cardiovascular phenotype. Last evaluated: 2024-04-25. Review status: criteria provided, single submitter. Criteria: Ambry Variant Classification Scheme 2023. Collection method: clinical testing. Allele origin: germline.
Comment: The p.T263I variant (also known as c.788C>T), located in coding exon 1 of the DOLK gene, results from a C to T substitution at nucleotide position 788. The threonine at codon 263 is replaced by isoleucine, an amino acid with similar properties. This amino acid position is conserved. In addition, this alteration is predicted to be deleterious by in silico analysis. Based on the available evidence, the clinical significance of this variant remains unclear.

NM_014908.4(DOLK):c.788C>T (p.Thr263Ile)

Gene: DOLK (dolichol kinase; minus strand). Cytogenetic location: 9q34.11.
Variant type: single nucleotide variant.
Coding change: c.788C>T on transcript NM_014908.4 (MANE Select); coding-DNA position 788, C replaced by T.
Protein change: p.Thr263Ile; replaces threonine 263 with isoleucine.
Molecular consequence: missense variant.
Genome position (GRCh38, 1-based): chr9:128,946,516, G>A on the plus strand (C>T on the coding strand, the complement: DOLK is on the minus strand). VCF-style: chr9-128946516-G-A. GRCh37 (hg19) VCF-style: chr9-131708795-G-A.
Other names: short protein forms T263I.
Identifiers: ClinVar variation 3273483 (VCV003273483.1).